The following is an entry in ClinVar:

NM_015072.5(TTLL5):c.2068C>T (p.Arg690Cys)

Gene: TTLL5 (tubulin tyrosine ligase like 5; plus strand). Cytogenetic location: 14q24.3.
Variant type: single nucleotide variant.
Coding change: c.2068C>T on transcript NM_015072.5 (MANE Select); coding-DNA position 2068, C replaced by T.
Protein change: p.Arg690Cys; replaces arginine 690 with cysteine.
Molecular consequence: missense variant.
Genome position (GRCh38, 1-based): chr14:75,771,786, C>T. VCF-style: chr14-75771786-C-T. GRCh37 (hg19) VCF-style: chr14-76238129-C-T.
Other names: short protein forms R690C.
Identifiers: ClinVar variation 2201374 (VCV002201374.3), dbSNP rs768300225, ClinGen allele CA7279590.

ClinVar aggregate classification (germline): Uncertain significance. Review status: criteria provided, multiple submitters, no conflicts (2 of 4 stars). 2 submissions from 2 submitters: Uncertain significance (2). Last evaluated 2024-10-29.

Allele frequency attached by ClinVar (database versions not stated): gnomAD exomes below 0.00001; ExAC 0.00001; gnomAD 0.00001; TOPMed 0.00002.
gnomAD v4.1: 7 of 1,613,904 alleles (0.00043%); highest among the groups gnomAD compares: Admixed American, 0.0033%; no homozygotes.

Submissions (2):

Labcorp Genetics (formerly Invitae), Labcorp
Classification: Uncertain significance. Last evaluated: 2024-10-29. Review status: criteria provided, single submitter. Criteria: Invitae Variant Classification Sherloc (09022015). Collection method: clinical testing. Allele origin: germline.
Comment: This sequence change replaces arginine, which is basic and polar, with cysteine, which is neutral and slightly polar, at codon 690 of the TTLL5 protein (p.Arg690Cys). This variant is present in population databases (rs768300225, gnomAD 0.006%). This variant has not been reported in the literature in individuals affected with TTLL5-related conditions. ClinVar contains an entry for this variant (Variation ID: 2201374). Invitae Evidence Modeling of protein sequence and biophysical properties (such as structural, functional, and spatial information, amino acid conservation, physicochemical variation, residue mobility, and thermodynamic stability) has been performed for this missense variant. However, the output from this modeling did not meet the statistical confidence thresholds required to predict the impact of this variant on TTLL5 protein function. In summary, the available evidence is currently insufficient to determine the role of this variant in disease. Therefore, it has been classified as a Variant of Uncertain Significance.

Blueprint Genetics
Classification: Uncertain significance. Last evaluated: 2019-08-06. Review status: criteria provided, single submitter. Criteria: ACMG Guidelines, 2015. Collection method: clinical testing. Allele origin: germline.